The following is an entry in ClinVar:

ClinVar aggregate classification (germline): Uncertain significance (1 of 4 stars; one submission).

Conditions:
Inborn genetic diseases. Identifiers: MedGen C0950123, MeSH D030342.

Submission:

Ambry Genetics
Classification: Uncertain significance for Inborn genetic diseases. Last evaluated: 2026-07-06. Review status: criteria provided, single submitter. Criteria: Ambry Variant Classification Scheme 2023. Collection method: clinical testing. Allele origin: germline.
Comment: The p.R370S variant (also known as c.1108C>A), located in coding exon 7 of the WT1 gene, results from a C to A substitution at nucleotide position 1108. The arginine at codon 370 is replaced by serine, an amino acid with dissimilar properties. This amino acid position is conserved. In addition, this alteration is predicted to be deleterious by in silico analysis. Based on the available evidence, the clinical significance of this variant remains unclear.

NM_024426.6(WT1):c.1123C>A (p.Arg375Ser)

Gene: WT1 (WT1 transcription factor; minus strand). Cytogenetic location: 11p13.
Variant type: single nucleotide variant.
Coding change: c.1123C>A on transcript NM_024426.6 (MANE Select); coding-DNA position 1123, C replaced by A.
Protein change: p.Arg375Ser; replaces arginine 375 with serine.
Molecular consequence: missense variant. On other transcripts: non-coding transcript variant (2), 5 prime UTR variant (1).
Genome position (GRCh38, 1-based): chr11:32,396,398, G>T on the plus strand (C>A on the coding strand, the complement: WT1 is on the minus strand). VCF-style: chr11-32396398-G-T. GRCh37 (hg19) VCF-style: chr11-32417944-G-T.
Other names: c.1072C>A, p.Arg358Ser (NM_001407049.1, NM_000378.6, NM_001407045.1 and 1 more transcripts); c.949C>A, p.Arg317Ser (NM_001407050.1); c.361C>A, p.Arg121Ser (NM_001407051.1); c.904C>A, p.Arg302Ser (NM_001429031.1, NM_001429032.1); c.853C>A, p.Arg285Ser (NM_001429033.1, NM_001429034.1); c.1123C>A, p.Arg375Ser (NM_024424.5, NM_001407046.1); c.472C>A, p.Arg158Ser (NM_001198551.2); c.421C>A, p.Arg141Ser (NM_001198552.2); and 3 more; short protein forms R121S, R285S, R317S, R370S, R375S, R141S, R158S, R302S.
Identifiers: ClinVar variation 5032030 (VCV005032030.1).